The following is an entry in ClinVar:

ClinVar aggregate classification (germline): Benign/Likely benign. Review status: criteria provided, multiple submitters, no conflicts (2 of 4 stars). 11 submissions from 11 submitters: Benign (9); Likely benign (2). Last evaluated 2026-02-04.

Conditions:
Combined immunodeficiency due to DOCK8 deficiency (HIES2). Also called: HYPER-IgE SYNDROME 2, AUTOSOMAL RECESSIVE, WITH RECURRENT INFECTIONS; HIES autosomal recessive; Hyper-IgE recurrent infection syndrome, autosomal recessive; HYPER-IgE RECURRENT INFECTION SYNDROME 2, AUTOSOMAL RECESSIVE; DOCK8 Deficiency. Identifiers: Orphanet 217390, MedGen C4722305, MONDO:0009478, OMIM 243700.

Allele frequency attached by ClinVar (database versions not stated): 1000 Genomes Project 0.19968; 1000 Genomes Project 30x 0.20097; gnomAD exomes 0.24475; ExAC 0.24878; gnomAD 0.24995; TOPMed 0.25169; ESP Exome Variant Server 0.28202.
gnomAD v4.1: 458,124 of 1,613,726 alleles (28%); highest among the groups gnomAD compares: Middle Eastern, 33%; 67,987 homozygotes.

Submissions (17):

Labcorp Genetics (formerly Invitae), Labcorp
Classification: Benign for Combined immunodeficiency due to DOCK8 deficiency. Last evaluated: 2026-02-04. Review status: criteria provided, single submitter. Criteria: Invitae Variant Classification Sherloc (09022015). Collection method: clinical testing. Allele origin: germline.

Women's Health and Genetics/Laboratory Corporation of America, LabCorp
Classification: Likely benign. Last evaluated: 2026-01-21. Review status: criteria provided, single submitter. Criteria: LabCorp Variant Classification Summary - May 2015. Collection method: clinical testing. Allele origin: germline.

Blueprint Genetics
Classification: Likely benign. Last evaluated: 2024-11-27. Review status: criteria provided, single submitter. Criteria: ACMG Guidelines, 2015. Collection method: clinical testing. Allele origin: germline.

Unidad de Genómica Garrahan, Hospital de Pediatría Garrahan
Classification: Benign. Last evaluated: 2023-11-12. Review status: criteria provided, single submitter. Criteria: ACMG Guidelines, 2015. Collection method: clinical testing. Allele origin: germline. Affected: no. Observed: 33 variant alleles.
Comment: This variant is classified as Benign based on local population frequency. This variant was detected in 34% of patients studied by a panel of primary immunodeficiencies. Number of patients: 33. Only high quality variants are reported.

Genome-Nilou Lab
Classification: Benign for Combined immunodeficiency due to DOCK8 deficiency. Last evaluated: 2021-07-14. Review status: criteria provided, single submitter. Criteria: ACMG Guidelines, 2015. Collection method: clinical testing. Allele origin: germline. Affected: no.

Mayo Clinic Laboratories, Mayo Clinic
Classification: Benign. Last evaluated: 2019-02-26. Review status: criteria provided, single submitter. Criteria: ACMG Guidelines, 2015. Collection method: clinical testing. Allele origin: germline. Observed: 416 variant alleles.

Illumina Laboratory Services, Illumina
Classification: Benign for Combined immunodeficiency due to DOCK8 deficiency. Last evaluated: 2018-01-12. Review status: criteria provided, single submitter. Criteria: ICSL Variant Classification Criteria 13 December 2019. Collection method: clinical testing. Allele origin: germline.
Comment: This variant was observed in the ICSL laboratory as part of a predisposition screen in an ostensibly healthy population. It had not been previously curated by ICSL or reported in the Human Gene Mutation Database (HGMD: prior to June 1st, 2018), and was therefore a candidate for classification through an automated scoring system. Utilizing variant allele frequency, disease prevalence and penetrance estimates, and inheritance mode, an automated score was calculated to assess if this variant is too frequent to cause the disease. Based on the score and internal cut-off values, a variant classified as benign is not then subjected to further curation. The score for this variant resulted in a classification of benign for this disease.

GeneDx
Classification: Benign. Last evaluated: 2015-03-03. Review status: criteria provided, single submitter. Criteria: GeneDx Variant Classification Process June 2021. Collection method: clinical testing. Allele origin: germline. Affected: yes.

Laboratory for Molecular Medicine, Mass General Brigham Personalized Medicine
Classification: Benign. Last evaluated: 2013-02-21. Review status: criteria provided, single submitter. Criteria: LMM Criteria. Collection method: clinical testing. Allele origin: germline. Observed: 35 variant alleles.
Comment: Asn413Ser in exon 11 of DOCK8: This variant is not expected to have clinical sig nificance because it has been identified in 30.9% (2659/8600) of European Americ an chromosomes from a broad population by the NHLBI Exome Sequencing Project (dbSNP rs10970979).

Breakthrough Genomics
Classification: Benign. Review status: criteria provided, single submitter. Criteria: ACMG Guidelines, 2015. Collection method: not provided. Allele origin: germline. Inheritance: Autosomal recessive inheritance. Affected: yes.

PreventionGenetics, part of Exact Sciences
Classification: Benign. Review status: criteria provided, single submitter. Criteria: ACMG Guidelines, 2015. Collection method: clinical testing. Allele origin: germline.

Dr. Peter K. Rogan Lab, Western University
No classification provided (evidence only). Condition: Malignant lymphoma, large B-cell, diffuse. Review status: no classification provided. Collection method: in vitro. Allele origin: not applicable. Functional consequence: retained intron. Not counted in ClinVar's aggregate classification.

Dr. Peter K. Rogan Lab, Western University
No classification provided (evidence only). Condition: Malignant lymphoma, large B-cell, diffuse. Review status: no classification provided. Collection method: in vitro. Allele origin: not applicable. Functional consequence: retained intron. Not counted in ClinVar's aggregate classification.

Dr. Peter K. Rogan Lab, Western University
No classification provided (evidence only). Condition: Malignant lymphoma, large B-cell, diffuse. Review status: no classification provided. Collection method: in vitro. Allele origin: not applicable. Functional consequence: retained intron. Not counted in ClinVar's aggregate classification.

Dr. Peter K. Rogan Lab, Western University
No classification provided (evidence only). Condition: Malignant lymphoma, large B-cell, diffuse. Review status: no classification provided. Collection method: in vitro. Allele origin: not applicable. Functional consequence: retained intron. Not counted in ClinVar's aggregate classification.

Dr. Peter K. Rogan Lab, Western University
No classification provided (evidence only). Condition: Malignant lymphoma, large B-cell, diffuse. Review status: no classification provided. Collection method: in vitro. Allele origin: not applicable. Functional consequence: retained intron. Not counted in ClinVar's aggregate classification.

Dr. Peter K. Rogan Lab, Western University
No classification provided (evidence only). Condition: Malignant lymphoma, large B-cell, diffuse. Review status: no classification provided. Collection method: in vitro. Allele origin: not applicable. Functional consequence: retained intron. Not counted in ClinVar's aggregate classification.

NM_203447.4(DOCK8):c.1238A>G (p.Asn413Ser)

Gene: DOCK8 (dedicator of cytokinesis 8; plus strand). Cytogenetic location: 9p24.3.
Variant type: single nucleotide variant.
Coding change: c.1238A>G on transcript NM_203447.4 (MANE Select); coding-DNA position 1238, A replaced by G.
Protein change: p.Asn413Ser; replaces asparagine 413 with serine.
Molecular consequence: missense variant.
Genome position (GRCh38, 1-based): chr9:334,337, A>G. VCF-style: chr9-334337-A-G. GRCh37 (hg19) VCF-style: chr9-334337-A-G.
Other names: c.1034A>G, p.Asn345Ser (NM_001190458.2, NM_001193536.2); short protein forms N413S, N345S.
Identifiers: ClinVar variation 163174 (VCV000163174.30), dbSNP rs10970979, ClinGen allele CA175847.